The following is an entry in ClinVar:

NM_005138.3(SCO2):c.225G>A (p.Trp75Ter)

Genes: SCO2 (synthesis of cytochrome C oxidase 2; minus strand), NCAPH2 (non-SMC condensin II complex subunit H2; plus strand). Cytogenetic location: 22q13.33.
Variant type: single nucleotide variant.
Coding change: c.225G>A on transcript NM_005138.3 (MANE Select); coding-DNA position 225, G replaced by A.
Protein change: p.Trp75Ter; replaces tryptophan 75 with a stop codon.
Molecular consequence: nonsense. On other transcripts: 3 prime UTR variant (2).
Genome position (GRCh38, 1-based): chr22:50,524,187, C>T on the plus strand (G>A on the coding strand, the complement: SCO2 is on the minus strand). VCF-style: chr22-50524187-C-T. GRCh37 (hg19) VCF-style: chr22-50962616-C-T.
Other names: c.*812C>T (NM_001185011.2, NM_152299.4); c.225G>A, p.Trp75Ter (NM_001169109.2, NM_001169110.1, NM_001169111.2); short protein forms W75*.
Identifiers: ClinVar variation 2678604 (VCV002678604.3), dbSNP rs1427577461, ClinGen allele CA412193554.
Genomic context (GRCh38, chr22:50,524,187, plus strand): 5'-GCGCAGGGCTTCTGTTCGCTTTTGCTGCTGCAGCCTCTCCTTCTCAGCCCTCAGGGCCAG[C>T]CAGGCCCCACCGAGTCCAGCCCCGAACAGGCCTGTGATCAGCAGCCGGGTTCGAAGCCCA-3'

ClinVar aggregate classification (germline): Pathogenic/Likely pathogenic. Review status: criteria provided, multiple submitters, no conflicts (2 of 4 stars). 2 submissions from 2 submitters: Pathogenic (1); Likely pathogenic (1). Last evaluated 2026-01-14.

Conditions:
Cardioencephalomyopathy, fatal infantile, due to cytochrome c oxidase deficiency 1 (MC4DN2). Also called: MITOCHONDRIAL COMPLEX IV DEFICIENCY, NUCLEAR TYPE 2; CYTOCHROME c OXIDASE DEFICIENCY, FATAL INFANTILE, WITH CARDIOENCEPHALOMYOPATHY. Identifiers: Orphanet 1561, MedGen C5399977, MONDO:0011451, OMIM 604377.

Allele frequency attached by ClinVar (database versions not stated): TOPMed below 0.00001; gnomAD exomes 0.00001.
gnomAD v4.1: 7 of 1,609,106 alleles (0.00044%); highest among the groups gnomAD compares: South Asian, 0.0066%; no homozygotes.

Submissions (2):

Labcorp Genetics (formerly Invitae), Labcorp
Classification: Pathogenic. Last evaluated: 2026-01-14. Review status: criteria provided, single submitter. Criteria: Invitae Variant Classification Sherloc (09022015). Collection method: clinical testing. Allele origin: germline.
Comment: This sequence change creates a premature translational stop signal (p.Trp75*) in the SCO2 gene. While this is not anticipated to result in nonsense mediated decay, it is expected to disrupt the last 192 amino acid(s) of the SCO2 protein. This variant is present in population databases (no rsID available, gnomAD 0.003%). This variant has not been reported in the literature in individuals affected with SCO2-related conditions. ClinVar contains an entry for this variant (Variation ID: 2678604). This variant disrupts a region of the SCO2 protein in which other variant(s) (p.Gly193Ser) have been determined to be pathogenic (PMID: 19353847, 29193756, 32600061). This suggests that this is a clinically significant region of the protein, and that variants that disrupt it are likely to be disease-causing. For these reasons, this variant has been classified as Pathogenic.

Baylor Genetics
Classification: Likely pathogenic for Cardioencephalomyopathy, fatal infantile, due to cytochrome c oxidase deficiency 1. Last evaluated: 2023-10-28. Review status: criteria provided, single submitter. Criteria: ACMG Guidelines, 2015. Collection method: clinical testing. Allele origin: unknown.

Literature cited by the submitters: PubMed 19353847 (cited by Labcorp Genetics (formerly Invitae), Labcorp); PubMed 29193756 (cited by Labcorp Genetics (formerly Invitae), Labcorp); PubMed 32600061 (cited by Labcorp Genetics (formerly Invitae), Labcorp).